The following is an entry in ClinVar:

ClinVar aggregate classification (germline): Likely benign (1 of 4 stars; one submission).

Submission:

CeGaT Center for Human Genetics Tuebingen
Classification: Likely benign. Last evaluated: 2026-04-01. Review status: criteria provided, single submitter. Criteria: CeGaT Center For Human Genetics Tuebingen Variant Classification Criteria Version 2. Collection method: clinical testing. Allele origin: germline. Affected: yes. Observed: 1 variant allele.
Comment: TM2D3: BP4, BP7

NM_078474.3(TM2D3):c.33C>T (p.Leu11=)

Genes: TM2D3 (TM2 domain containing 3; minus strand), LOC130058079 (ATAC-STARR-seq lymphoblastoid silent region 6892; plus strand). Cytogenetic location: 15q26.3.
Variant type: single nucleotide variant.
Coding change: c.33C>T on transcript NM_078474.3 (MANE Select); coding-DNA position 33, C replaced by T.
Protein change: p.Leu11=; no amino-acid change (leucine 11 retained).
Molecular consequence: synonymous variant.
Genome position (GRCh38, 1-based): chr15:101,652,329, G>A on the plus strand (C>T on the coding strand, the complement: TM2D3 is on the minus strand). VCF-style: chr15-101652329-G-A. GRCh37 (hg19) VCF-style: chr15-102192532-G-A.
Other names: c.33C>T, p.Leu11= (NM_001307960.2, NM_001308026.2, NM_025141.4).
Identifiers: ClinVar variation 4872076 (VCV004872076.2).